The following is an entry in ClinVar:

ClinVar aggregate classification (germline): Pathogenic (1 of 4 stars; one submission).

Conditions:
Landau-Kleffner syndrome (FESD). Also called: EPILEPSY, FOCAL, WITH SPEECH DISORDER AND WITH OR WITHOUT MENTAL RETARDATION; APHASIA, ACQUIRED, WITH EPILEPSY. Identifiers: Orphanet 1945, Orphanet 725, Orphanet 98818, MedGen C0282512, MONDO:0009509, OMIM 245570.

gnomAD v4.1: 1 of 1,613,982 alleles (0.000062%); highest among the groups gnomAD compares: Non-Finnish European, 0.000085%; no homozygotes.

Submission:

Labcorp Genetics (formerly Invitae), Labcorp
Classification: Pathogenic for Landau-Kleffner syndrome. Last evaluated: 2024-05-06. Review status: criteria provided, single submitter. Criteria: Invitae Variant Classification Sherloc (09022015). Collection method: clinical testing. Allele origin: germline.
Comment: This sequence change creates a premature translational stop signal (p.Ser1333*) in the GRIN2A gene. While this is not anticipated to result in nonsense mediated decay, it is expected to disrupt the last 132 amino acid(s) of the GRIN2A protein. This variant is not present in population databases (gnomAD no frequency). This variant has not been reported in the literature in individuals affected with GRIN2A-related conditions. This variant disrupts a region of the GRIN2A protein in which other variant(s) (p.Ser1356Cys) have been determined to be pathogenic (Invitae). This suggests that this is a clinically significant region of the protein, and that variants that disrupt it are likely to be disease-causing. For these reasons, this variant has been classified as Pathogenic.

NM_001134407.3(GRIN2A):c.3998C>G (p.Ser1333Ter)

Gene: GRIN2A (glutamate ionotropic receptor NMDA type subunit 2A; minus strand). Cytogenetic location: 16p13.2.
Variant type: single nucleotide variant.
Coding change: c.3998C>G on transcript NM_001134407.3 (MANE Select); coding-DNA position 3998, C replaced by G.
Protein change: p.Ser1333Ter; replaces serine 1333 with a stop codon.
Molecular consequence: nonsense. On other transcripts: intron variant (1).
Genome position (GRCh38, 1-based): chr16:9,763,546, G>C on the plus strand (C>G on the coding strand, the complement: GRIN2A is on the minus strand). VCF-style: chr16-9763546-G-C. GRCh37 (hg19) VCF-style: chr16-9857403-G-C.
Other names: c.3998C>G, p.Ser1333Ter (NM_000833.5); c.3773-118C>G (NM_001134408.2); short protein forms S1333*.
Identifiers: ClinVar variation 3652317 (VCV003652317.2).
Genomic context (GRCh38, chr16:9,763,546, plus strand): 5'-CTCTTGCTGTCCTCCAGACCTTGGGGGAAAAGGGAGCTTTTTTTCCCCGAGAGTTTGCTT[G>C]AGGGGACACTAAACAGGCTGCCGTAAAAATTTCCCTCCAGAAGCCGTTCCCTGTCCTTGA-3'